The following is an entry in ClinVar:

NM_021076.4(NEFH):c.659C>T (p.Ala220Val)

Gene: NEFH (neurofilament heavy chain; plus strand). Cytogenetic location: 22q12.2.
Variant type: single nucleotide variant.
Coding change: c.659C>T on transcript NM_021076.4 (MANE Select); coding-DNA position 659, C replaced by T.
Protein change: p.Ala220Val; replaces alanine 220 with valine.
Molecular consequence: missense variant.
Genome position (GRCh38, 1-based): chr22:29,480,921, C>T. VCF-style: chr22-29480921-C-T. GRCh37 (hg19) VCF-style: chr22-29876910-C-T.
Other names: c.659C>T (NM_021076.3); short protein forms A220V.
Identifiers: ClinVar variation 2895367 (VCV002895367.4), dbSNP rs1287388471, ClinGen allele CA411123566.

ClinVar aggregate classification (germline): Uncertain significance. Review status: criteria provided, multiple submitters, no conflicts (2 of 4 stars). 2 submissions from 2 submitters: Uncertain significance (2). Last evaluated 2023-06-05.

Conditions:
Inborn genetic diseases. Identifiers: MedGen C0950123, MeSH D030342.

Allele frequency attached by ClinVar (database versions not stated): gnomAD exomes below 0.00001.
gnomAD v4.1: 2 of 1,517,784 alleles (0.00013%); highest among the groups gnomAD compares: Middle Eastern, 0.041%; no homozygotes.

Submissions (2):

Labcorp Genetics (formerly Invitae), Labcorp
Classification: Uncertain significance. Last evaluated: 2023-06-05. Review status: criteria provided, single submitter. Criteria: Invitae Variant Classification Sherloc (09022015). Collection method: clinical testing. Allele origin: germline.
Comment: In summary, the available evidence is currently insufficient to determine the role of this variant in disease. Therefore, it has been classified as a Variant of Uncertain Significance. Advanced modeling of protein sequence and biophysical properties (such as structural, functional, and spatial information, amino acid conservation, physicochemical variation, residue mobility, and thermodynamic stability) performed at Invitae indicates that this missense variant is not expected to disrupt NEFH protein function. This variant has not been reported in the literature in individuals affected with NEFH-related conditions. The frequency data for this variant in the population databases is considered unreliable, as metrics indicate poor data quality at this position in the gnomAD database. This sequence change replaces alanine, which is neutral and non-polar, with valine, which is neutral and non-polar, at codon 220 of the NEFH protein (p.Ala220Val).

Ambry Genetics
Classification: Uncertain significance for Inborn genetic diseases. Last evaluated: 2020-01-14. Review status: criteria provided, single submitter. Criteria: Ambry Variant Classification Scheme 2023. Collection method: clinical testing. Allele origin: germline.
Comment: The p.A220V variant (also known as c.659C>T), located in coding exon 1 of the NEFH gene, results from a C to T substitution at nucleotide position 659. The alanine at codon 220 is replaced by valine, an amino acid with similar properties. This amino acid position is not well conserved in available vertebrate species, and valine is the reference amino acid in other vertebrate species. In addition, this alteration is predicted to be tolerated by in silico analysis. Since supporting evidence is limited at this time, the clinical significance of this alteration remains unclear.